The following is an entry in ClinVar:

NM_005535.3(IL12RB1):c.370G>A (p.Glu124Lys)

Gene: IL12RB1 (interleukin 12 receptor subunit beta 1; minus strand). Cytogenetic location: 19p13.11.
Variant type: single nucleotide variant.
Coding change: c.370G>A on transcript NM_005535.3 (MANE Select); coding-DNA position 370, G replaced by A.
Protein change: p.Glu124Lys; replaces glutamic acid 124 with lysine.
Molecular consequence: missense variant.
Genome position (GRCh38, 1-based): chr19:18,080,871, C>T on the plus strand (G>A on the coding strand, the complement: IL12RB1 is on the minus strand). VCF-style: chr19-18080871-C-T. GRCh37 (hg19) VCF-style: chr19-18191681-C-T.
Other names: c.370G>A, p.Glu124Lys (NM_001290023.2, NM_153701.3); c.490G>A, p.Glu164Lys (NM_001290024.2); short protein forms E164K, E124K.
Identifiers: ClinVar variation 950026 (VCV000950026.9), dbSNP rs772617080, ClinGen allele CA9305243.

ClinVar aggregate classification (germline): Uncertain significance (1 of 4 stars; one submission).

Conditions:
Mendelian susceptibility to mycobacterial diseases due to complete IL12RB1 deficiency. Also called: IL12RB1 DEFICIENCY; Immunodeficiency 30. Identifiers: Orphanet 319552, MedGen C4013949, MONDO:0013955, OMIM 614891.

Allele frequency attached by ClinVar (database versions not stated): ExAC 0.00001; gnomAD exomes 0.00003; gnomAD 0.00005; TOPMed 0.00006.
gnomAD v4.1: 24 of 1,612,440 alleles (0.0015%); highest among the groups gnomAD compares: Admixed American, 0.023%; no homozygotes.

Submission:

Labcorp Genetics (formerly Invitae), Labcorp
Classification: Uncertain significance for Mendelian susceptibility to mycobacterial diseases due to complete IL12RB1 deficiency. Last evaluated: 2023-08-04. Review status: criteria provided, single submitter. Criteria: Invitae Variant Classification Sherloc (09022015). Collection method: clinical testing. Allele origin: germline.
Comment: This sequence change replaces glutamic acid, which is acidic and polar, with lysine, which is basic and polar, at codon 124 of the IL12RB1 protein (p.Glu124Lys). This variant is present in population databases (rs772617080, gnomAD 0.02%). This variant has not been reported in the literature in individuals affected with IL12RB1-related conditions. ClinVar contains an entry for this variant (Variation ID: 950026). Advanced modeling of protein sequence and biophysical properties (such as structural, functional, and spatial information, amino acid conservation, physicochemical variation, residue mobility, and thermodynamic stability) performed at Invitae indicates that this missense variant is expected to disrupt IL12RB1 protein function. In summary, the available evidence is currently insufficient to determine the role of this variant in disease. Therefore, it has been classified as a Variant of Uncertain Significance.